The following is an entry in ClinVar:

ClinVar aggregate classification (germline): Pathogenic/Likely pathogenic. Review status: criteria provided, multiple submitters, no conflicts (2 of 4 stars). 7 submissions from 7 submitters: Pathogenic (1); Likely pathogenic (6). Last evaluated 2024-09-24.

Conditions:
TH-deficient dopa-responsive dystonia. Also called: Segawa syndrome, autosomal recessive; Tyrosine Hydroxylase-Deficient Dopa-Responsive Dystonia; DYT-TH. Identifiers: Orphanet 101150, MedGen C2673535, MONDO:0011551, OMIM 605407.

Allele frequency attached by ClinVar (database versions not stated): gnomAD 0.00001; TOPMed 0.00001.
gnomAD v4.1: 11 of 1,561,186 alleles (0.0007%); highest among the groups gnomAD compares: East Asian, 0.0047%; no homozygotes.

Submissions (7):

Natera, Inc.
Classification: Likely pathogenic for Autosomal recessive Segawa syndrome. Last evaluated: 2024-09-24. Review status: criteria provided, single submitter. Criteria: Natera Variant Classification Schema (03/2026). Collection method: clinical testing. Allele origin: germline.
Comment: The c.1196C>T variant in TH is a missense variant predicted to cause substitution of threonine to methionine at amino acid 399. This variant is rare in the general population with a frequency below the threshold expected for the associated phenotype(s). This variant has been observed in one or more individuals affected with the associated recessive disease, as either homozygous or compound heterozygous with a second variant (PMID: 32395404). Functional studies show that this variant may disrupt protein function (PMID: 24753243). Computational prediction algorithms indicate this variant is likely to affect gene or protein function. Given the available evidence, this variant is classified as Likely Pathogenic.

Genomic Medicine Center of Excellence, King Faisal Specialist Hospital and Research Centre
Classification: Likely pathogenic for TH-deficient dopa-responsive dystonia. Last evaluated: 2024-09-22. Review status: criteria provided, single submitter. Criteria: ACMG Guidelines, 2015. Collection method: clinical testing. Allele origin: germline.

Fulgent Genetics
Classification: Likely pathogenic for TH-deficient dopa-responsive dystonia. Last evaluated: 2024-04-09. Review status: criteria provided, single submitter. Criteria: ACMG Guidelines, 2015. Collection method: clinical testing. Allele origin: germline.

Labcorp Genetics (formerly Invitae), Labcorp
Classification: Likely pathogenic for TH-deficient dopa-responsive dystonia. Last evaluated: 2024-02-20. Review status: criteria provided, single submitter. Criteria: Invitae Variant Classification Sherloc (09022015). Collection method: clinical testing. Allele origin: germline.
Comment: This sequence change replaces threonine, which is neutral and polar, with methionine, which is neutral and non-polar, at codon 399 of the TH protein (p.Thr399Met). The frequency data for this variant in the population databases is considered unreliable, as metrics indicate poor data quality at this position in the gnomAD database. This missense change has been observed in individual(s) with clinical features of tyrosine hydroxylase deficiency (PMID: 16049992, 26686676, 31130284, 32395404). In at least one individual the data is consistent with being in trans (on the opposite chromosome) from a pathogenic variant. This variant is also known as c.1103C>T (p.Thr368Met). ClinVar contains an entry for this variant (Variation ID: 378729). An algorithm developed to predict the effect of missense changes on protein structure and function (PolyPhen-2) suggests that this variant is likely to be disruptive. Experimental studies have shown that this missense change affects TH function (PMID: 24753243). In summary, the currently available evidence indicates that the variant is pathogenic, but additional data are needed to prove that conclusively. Therefore, this variant has been classified as Likely Pathogenic.

Victorian Clinical Genetics Services, Murdoch Childrens Research Institute
Classification: Pathogenic for TH-deficient dopa-responsive dystonia. Last evaluated: 2023-07-17. Review status: criteria provided, single submitter. Criteria: ACMG Guidelines, 2015. Collection method: clinical testing. Allele origin: germline. Inheritance: Autosomal recessive inheritance. Affected: yes.
Comment: Based on the classification scheme VCGS_Germline_v1.3.4, this variant is classified as Pathogenic. Following criteria are met: 0102 - Loss of function is a known mechanism of disease in this gene and is associated with Segawa syndrome (MIM#605407). (I) 0106 - This gene is associated with autosomal recessive disease. (I) 0115 - Variants in this gene are known to have variable expressivity (GeneReviews, OMIM). (I) 0200 - Variant is predicted to result in a missense amino acid change from threonine to methionine. (I) 0252 - This variant is homozygous. (I) 0304 - Variant is present in gnomAD (v2) <0.01 for a recessive condition (2 heterozygotes, 0 homozygotes). (SP) 0309 - Alternative amino acid changes at the same position have been observed in gnomAD (v3) (highest allele count: 4 heterozygotes, 0 homozygotes). (I) 0501 - Missense variant consistently predicted to be damaging by multiple in silico tools or highly conserved with a major amino acid change. (SP) 0600 - Variant is located in the annotated Biopterin_H domain (DECIPHER). (I) 0710 - Another missense variant comparable to the one identified in this case has inconclusive previous evidence for pathogenicity. An alternate change to serine at the same residue has previously been classified as a VUS (ClinVar). (I) 0801 - This variant has strong previous evidence of pathogenicity in unrelated individuals. This variant has previously been reported in a compound heterozygous state using an alternate transcript (NM_199292.2(TH):c.1196C>T; p.(Thr399Met)) in at least two unrelated individuals with tyrosine hydroxylase deficiency, and has been classified as likely pathogenic by multiple clinical diagnostic laboratories (ClinVar; PMIDs: 16049992, 32395404). (SP) 0903 - This variant has limited evidence for segregation with disease. The variant has been shown to segregate with disease in a compound heterozygous state with NM_199292.2(TH):p.(Arg328Trp) in three affected pregnancies from a single family (PMID: 16049992). (SP) 1002 - This variant has moderate functional evidence supporting abnormal protein function. Functional studies in transfected cells showed that the variant retained less than 5% residual activity compared to wild type (PMID: 24753243). (I) Legend: (SP) - Supporting pathogenic, (I) - Information, (SB) - Supporting benign

Revvity Omics, Revvity
Classification: Likely pathogenic for TH-deficient dopa-responsive dystonia. Last evaluated: 2020-05-05. Review status: criteria provided, single submitter. Criteria: ACMG Guidelines, 2015. Collection method: clinical testing. Allele origin: germline.

GeneDx
Classification: Likely pathogenic. Last evaluated: 2018-06-04. Review status: criteria provided, single submitter. Criteria: GeneDx Variant Classification (06012015). Collection method: clinical testing. Allele origin: germline. Affected: yes.
Comment: Compared to an age-matched control, autopsy of the child's deceased fetal sibling with the same genotype identified decreased brain expression of TH and other dopaminergic proteins, as well as a decrease in developmental markers for synapses, axons and dendrites (TristÃ¡n-Noguero et al., 2016). In addition, in vitro functional studies of the T399M variant exhibited less than 5% residual enzyme activity with moderately reduced solubility compared to wild type enzyme (Fossbakk et al., 2014). The T399M variant was not observed in approximately 6400 individuals of European and African American ancestry in the NHLBI Exome Sequencing Project, indicating it is not a common benign variant in these populations. The T399M variant is a non-conservative amino acid substitution, which is likely to impact secondary protein structure as these residues differ in polarity, charge, size and/or other properties. This substitution also occurs at a position that is conserved across species. In silico analysis predicts this variant is probably damaging to the protein structure/function, and that c.1196 C>T (aka T399M) may damage the splice donor site in intron 11. Based on the currently available information, the T399M variant is a strong candidate for a pathogenic variant, however the possibility it may be a rare benign variant cannot be excluded.

Literature cited by the submitters: PubMed 32395404 (cited by 3 submitters); PubMed 24753243 (cited by 3 submitters); PubMed 16049992 (cited by Labcorp Genetics (formerly Invitae), Labcorp and Victorian Clinical Genetics Services, Murdoch Childrens Research Institute); PubMed 26686676 (cited by Labcorp Genetics (formerly Invitae), Labcorp); PubMed 31130284 (cited by Labcorp Genetics (formerly Invitae), Labcorp).

NM_000360.4(TH):c.1103C>T (p.Thr368Met)

Gene: TH (tyrosine hydroxylase; minus strand). Cytogenetic location: 11p15.5.
Variant type: single nucleotide variant.
Coding change: c.1103C>T on transcript NM_000360.4 (MANE Select); coding-DNA position 1103, C replaced by T.
Protein change: p.Thr368Met; replaces threonine 368 with methionine.
Molecular consequence: missense variant.
Genome position (GRCh38, 1-based): chr11:2,166,003, G>A on the plus strand (C>T on the coding strand, the complement: TH is on the minus strand). VCF-style: chr11-2166003-G-A. GRCh37 (hg19) VCF-style: chr11-2187233-G-A.
Other names: c.1196C>T, p.Thr399Met (NM_199292.3); c.1184C>T, p.Thr395Met (NM_199293.3); c.1103C>T (NM_000360.3); short protein forms T399M, T368M, T395M.
Identifiers: ClinVar variation 378729 (VCV000378729.19), dbSNP rs1057520384, ClinGen allele CA16605881.